The following is an entry in ClinVar:

NM_003678.5(THOC5):c.1002C>T (p.Asp334=)

Gene: THOC5 (THO complex subunit 5; minus strand). Cytogenetic location: 22q12.2.
Variant type: single nucleotide variant.
Coding change: c.1002C>T on transcript NM_003678.5 (MANE Select); coding-DNA position 1002, C replaced by T.
Protein change: p.Asp334=; no amino-acid change (aspartic acid 334 retained).
Molecular consequence: synonymous variant.
Genome position (GRCh38, 1-based): chr22:29,528,142, G>A on the plus strand (C>T on the coding strand, the complement: THOC5 is on the minus strand). VCF-style: chr22-29528142-G-A. GRCh37 (hg19) VCF-style: chr22-29924131-G-A.
Other names: c.1002C>T, p.Asp334= (NM_001002877.2, NM_001002878.1, NM_001002879.1).
Identifiers: ClinVar variation 4083697 (VCV004083697.8).

ClinVar aggregate classification (germline): Likely benign (1 of 4 stars; one submission).

gnomAD v4.1: 86 of 1,613,976 alleles (0.0053%); highest among the groups gnomAD compares: African/African-American, 0.0067%; no homozygotes.

Submission:

CeGaT Center for Human Genetics Tuebingen
Classification: Likely benign. Last evaluated: 2025-08-01. Review status: criteria provided, single submitter. Criteria: CeGaT Center For Human Genetics Tuebingen Variant Classification Criteria Version 2. Collection method: clinical testing. Allele origin: germline. Affected: yes. Observed: 1 variant allele.
Comment: THOC5: BP4, BP7